The following is an entry in ClinVar:

NM_002336.3(LRP6):c.104A>T (p.Asp35Val)

Gene: LRP6 (LDL receptor related protein 6; minus strand). Cytogenetic location: 12p13.2.
Variant type: single nucleotide variant.
Coding change: c.104A>T on transcript NM_002336.3 (MANE Select); coding-DNA position 104, A replaced by T.
Protein change: p.Asp35Val; replaces aspartic acid 35 with valine.
Molecular consequence: missense variant. On other transcripts: 5 prime UTR variant (2), non-coding transcript variant (1), intron variant (1).
Genome position (GRCh38, 1-based): chr12:12,244,607, T>A on the plus strand (A>T on the coding strand, the complement: LRP6 is on the minus strand). VCF-style: chr12-12244607-T-A. GRCh37 (hg19) VCF-style: chr12-12397541-T-A.
Other names: c.104A>T, p.Asp35Val (NM_001414244.1, NM_001414245.1, NM_001414246.1 and 6 more transcripts); c.-350A>T (NM_001414253.1); c.-346A>T (NM_001414254.1); c.-5+22074A>T (NM_001414252.1); short protein forms D35V.
Identifiers: ClinVar variation 5002724 (VCV005002724.1).

ClinVar aggregate classification (germline): Uncertain significance (1 of 4 stars; one submission).

Conditions:
Coronary artery disease, autosomal dominant 2 (ADCAD2). Identifiers: MedGen C1970440, MONDO:0012586, OMIM 610947.

Submission:

OLLIN Analises Genomicas, OLLIN
Classification: Uncertain significance for Coronary artery disease, autosomal dominant 2. Last evaluated: 2026-08-06. Review status: criteria provided, single submitter. Criteria: ACMG Guidelines 2015 PMID 25741868. Collection method: clinical testing. Allele origin: germline.
Comment: This missense variant, located in exon 2 (of 23), is absent from gnomAD and ClinVar and has not been identified in the literature. In silico analysis predicts that this variant has a deleterious effect. This gene is constrained for missense variation. According to the currently available evidence, this variant has been classified as uncertain significance (PM2_P, PP2, PP3_M).